The following is an entry in ClinVar:

NM_000045.4(ARG1):c.820_823dup (p.Ile275fs)

Genes: ARG1 (arginase 1; plus strand), MED23 (mediator complex subunit 23; minus strand). Cytogenetic location: 6q23.2.
Variant type: Duplication.
Coding change: c.820_823dup on transcript NM_000045.4 (MANE Select); coding-DNA positions 820 to 823, 4 bases duplicated (GATA; older notation c.820_823dupGATA).
Protein change: p.Ile275fs; shifts the reading frame from isoleucine 275.
Molecular consequence: frameshift variant. On other transcripts: intron variant (2), non-coding transcript variant (1).
Genome position (GRCh38, 1-based): chr6:131,583,759-131,583,762, GATA duplicated; duplicating any 4 consecutive bases within chr6:131,583,757-131,583,762 gives the same sequence; the c. name uses the placement nearest the transcript's 3' end. VCF-style (leftmost placement, unchanged base first): chr6-131583756-T-TTAGA. GRCh37 (hg19) VCF-style: chr6-131904896-T-TTAGA.
Other names: c.4095+3949_4095+3952dup (NM_015979.4); c.844_847dup, p.Ile283fs (NM_001244438.2); c.565_568dup, p.Ile190fs (NM_001369020.1); c.4077+3949_4077+3952dup (NM_001270521.2); short protein forms I283fs, I190fs, I275fs.
Identifiers: ClinVar variation 1458205 (VCV001458205.8), dbSNP rs1562361762, ClinGen allele CA915374319.
Genomic context (GRCh38, chr6:131,583,756, plus strand): 5'-ATGTCAACTATTTTATAAATTACATTATTACAATTTGTTGTTGTAGGGCTACTCTCAGGA[T>TTAGA]TAGATATAATGGAAGTGAACCCATCCCTGGGGAAGACACCAGAAGAAGTAACTCGAACAG-3'

ClinVar aggregate classification (germline): Pathogenic (1 of 4 stars; one submission).

Conditions:
Arginase deficiency. Also called: ARGININEMIA; ARG1 DEFICIENCY; Arginase 1 Deficiency. Identifiers: Orphanet 90, MedGen C0268548, MONDO:0008814, OMIM 207800.

Submission:

Labcorp Genetics (formerly Invitae), Labcorp
Classification: Pathogenic for Arginase deficiency. Last evaluated: 2024-01-11. Review status: criteria provided, single submitter. Criteria: Invitae Variant Classification Sherloc (09022015). Collection method: clinical testing. Allele origin: germline.
Comment: This sequence change creates a premature translational stop signal (p.Ile275Argfs*38) in the ARG1 gene. While this is not anticipated to result in nonsense mediated decay, it is expected to disrupt the last 48 amino acid(s) of the ARG1 protein. This variant is not present in population databases (gnomAD no frequency). This variant has not been reported in the literature in individuals affected with ARG1-related conditions. ClinVar contains an entry for this variant (Variation ID: 1458205). This variant disrupts a region of the ARG1 protein in which other variant(s) (p.Arg291*) have been determined to be pathogenic (PMID: 1598908, 19052914, 24103480). This suggests that this is a clinically significant region of the protein, and that variants that disrupt it are likely to be disease-causing. For these reasons, this variant has been classified as Pathogenic.

Literature cited by the submitters: PubMed 1598908; PubMed 19052914; PubMed 24103480.